The following is an entry in ClinVar:

NM_024642.5(GALNT12):c.361T>G (p.Trp121Gly)

Gene: GALNT12 (polypeptide N-acetylgalactosaminyltransferase 12; plus strand). Cytogenetic location: 9q22.33.
Variant type: single nucleotide variant.
Coding change: c.361T>G on transcript NM_024642.5 (MANE Select); coding-DNA position 361, T replaced by G.
Protein change: p.Trp121Gly; replaces tryptophan 121 with glycine.
Molecular consequence: missense variant.
Genome position (GRCh38, 1-based): chr9:98,808,059, T>G. VCF-style: chr9-98808059-T-G. GRCh37 (hg19) VCF-style: chr9-101570341-T-G.
Other names: short protein forms W121G.
Identifiers: ClinVar variation 2566278 (VCV002566278.3), dbSNP rs2490456496, ClinGen allele CA374223155.

ClinVar aggregate classification (germline): Uncertain significance. Review status: criteria provided, multiple submitters, no conflicts (2 of 4 stars). 2 submissions from 2 submitters: Uncertain significance (2). Last evaluated 2024-01-03.

Conditions:
Colorectal cancer, susceptibility to, 1. Also called: COLORECTAL ADENOMA AND CANCER, SUSCEPTIBILITY TO; COLORECTAL CANCER, SUSCEPTIBILITY TO, ON CHROMOSOME 9. Identifiers: MedGen C1837315, MONDO:0012132, OMIM 608812.

Submissions (2):

Fulgent Genetics
Classification: Uncertain significance for Colorectal cancer, susceptibility to, 1. Last evaluated: 2024-01-03. Review status: criteria provided, single submitter. Criteria: ACMG Guidelines, 2015. Collection method: clinical testing. Allele origin: germline.

Ambry Genetics
Classification: Uncertain significance. Last evaluated: 2023-06-05. Review status: criteria provided, single submitter. Criteria: Ambry Variant Classification Scheme 2023. Collection method: clinical testing. Allele origin: germline.
Comment: The p.W121G variant (also known as c.361T>G), located in coding exon 1 of the GALNT12 gene, results from a T to G substitution at nucleotide position 361. The tryptophan at codon 121 is replaced by glycine, an amino acid with highly dissimilar properties. This amino acid position is conserved. In addition, this alteration is predicted to be tolerated by in silico analysis. Since supporting evidence is limited at this time, the clinical significance of this alteration remains unclear.